The following is an entry in ClinVar:

NM_001379451.1(BCORL1):c.3098C>T (p.Ser1033Phe)

Gene: BCORL1 (BCL6 corepressor like 1; plus strand). Cytogenetic location: Xq26.1.
Variant type: single nucleotide variant.
Coding change: c.3098C>T on transcript NM_001379451.1 (MANE Select); coding-DNA position 3098, C replaced by T.
Protein change: p.Ser1033Phe; replaces serine 1033 with phenylalanine.
Molecular consequence: missense variant.
Genome position (GRCh38, 1-based): chrX:130,015,870, C>T. VCF-style: chrX-130015870-C-T. GRCh37 (hg19) VCF-style: chrX-129149846-C-T.
Other names: c.3098C>T, p.Ser1033Phe (NM_001441326.1, NM_001441327.1, NM_001441328.1 and 7 more transcripts); short protein forms S1033F.
Identifiers: ClinVar variation 4088062 (VCV004088062.2).
Genomic context (GRCh38, chrX:130,015,870, plus strand): 5'-CTCACGACAGCCACCCCAAGGAACTTATATTGGACGTGGTTCCGAGCAGCAGGAGGGGCT[C>T]CAGCACAGAGCGCCCACAGCTTGGAAGCCAGGTGGATCTGGGGCGAGTGAAAATGGAGAA-3'
Protein context (NP_001366380.1, residues 1023-1043): LDVVPSSRRG[Ser1033Phe]STERPQLGSQ

ClinVar aggregate classification (germline): Uncertain significance (1 of 4 stars; one submission).

Submission:

GeneDx
Classification: Uncertain significance. Last evaluated: 2026-03-16. Review status: criteria provided, single submitter. Criteria: GeneDx Variant Classification Process June 2021. Collection method: clinical testing. Allele origin: germline.
Comment: Not observed at significant frequency in large population cohorts (gnomAD); In silico analysis suggests that this missense variant does not alter protein structure/function; Has not been previously published as pathogenic or benign to our knowledge